The following is an entry in ClinVar:

NM_003978.5(PSTPIP1):c.302A>T (p.Glu101Val)

Gene: PSTPIP1 (proline-serine-threonine phosphatase interacting protein 1; plus strand). Cytogenetic location: 15q24.3.
Variant type: single nucleotide variant.
Coding change: c.302A>T on transcript NM_003978.5 (MANE Select); coding-DNA position 302, A replaced by T.
Protein change: p.Glu101Val; replaces glutamic acid 101 with valine.
Molecular consequence: missense variant. On other transcripts: non-coding transcript variant (1).
Genome position (GRCh38, 1-based): chr15:77,025,552, A>T. VCF-style: chr15-77025552-A-T. GRCh37 (hg19) VCF-style: chr15-77317893-A-T.
Other names: c.302A>T, p.Glu101Val (NM_001321135.2, NM_001411086.1); c.275A>T, p.Glu92Val (NM_001321136.2); c.497A>T, p.Glu166Val (NM_001321137.1); short protein forms E101V, E166V, E92V.
Identifiers: ClinVar variation 4883066 (VCV004883066.2).

ClinVar aggregate classification (germline): Uncertain significance (1 of 4 stars; one submission).

Conditions:
Pyogenic arthritis-pyoderma gangrenosum-acne syndrome (PAPA). Also called: FAMILIAL RECURRENT ARTHRITIS; PAPA SYNDROME. Identifiers: Orphanet 69126, MedGen C1858361, MONDO:0011462, OMIM 604416.

Submission:

Dasa
Classification: Uncertain significance for Pyogenic arthritis-pyoderma gangrenosum-acne syndrome. Last evaluated: 2026-04-28. Review status: criteria provided, single submitter. Criteria: DASA Assertion Criteria. Collection method: clinical testing. Allele origin: germline.
Comment: NM_003978.5(PSTPIP1):c.302A>T (p.Glu101Val) is a missense variant that results in the substitution of glutamic acid with valine. This variant is rare in population databases. The currently available literature and clinical evidence are not sufficient to establish a definitive association between this variant and the reported condition. Therefore, this variant is classified as a variant of uncertain significance.